The following is an entry in ClinVar:

ClinVar aggregate classification (germline): Benign. Review status: criteria provided, multiple submitters, no conflicts (2 of 4 stars). 3 submissions from 2 submitters: Benign (3). Last evaluated 2021-05-17.

Conditions:
Susceptibility to mononeuropathy of the median nerve, mild. Also called: CARPAL TUNNEL SYNDROME, SUSCEPTIBILITY TO. Identifiers: MedGen C3150596, MONDO:0013237, OMIM 613353.
Charcot-Marie-Tooth disease type 4C (CMT4C). Also called: CHARCOT-MARIE-TOOTH DISEASE, DEMYELINATING, AUTOSOMAL RECESSIVE, TYPE 4C; CMT 4C; Charcot-Marie-Tooth Neuropathy Type 4C (CMT4C); CHARCOT-MARIE-TOOTH DISEASE, DEMYELINATING, TYPE 4C; SH3TC2-Related Hereditary Motor and Sensory Neuropathy. Identifiers: Orphanet 99949, MedGen C1866636, MONDO:0011113, OMIM 601596.

Allele frequency attached by ClinVar (database versions not stated): TOPMed 0.15404; 1000 Genomes Project 30x 0.15881; 1000 Genomes Project 0.16134; gnomAD 0.16452 and 0.16761.
gnomAD v4.1: 25,562 of 152,182 alleles (17%); highest among the groups gnomAD compares: East Asian, 24%; 2,489 homozygotes.

Submissions (3):

GeneDx
Classification: Benign. Last evaluated: 2021-05-17. Review status: criteria provided, single submitter. Criteria: GeneDx Variant Classification Process June 2021. Collection method: clinical testing. Allele origin: germline. Affected: yes.

Illumina Laboratory Services, Illumina
Classification: Benign for Charcot-Marie-Tooth disease type 4C. Last evaluated: 2018-01-13. Review status: criteria provided, single submitter. Criteria: ICSL Variant Classification Criteria 13 December 2019. Collection method: clinical testing. Allele origin: germline.
Comment: This variant was observed in the ICSL laboratory as part of a predisposition screen in an ostensibly healthy population. It had not been previously curated by ICSL or reported in the Human Gene Mutation Database (HGMD: prior to June 1st, 2018), and was therefore a candidate for classification through an automated scoring system. Utilizing variant allele frequency, disease prevalence and penetrance estimates, and inheritance mode, an automated score was calculated to assess if this variant is too frequent to cause the disease. Based on the score and internal cut-off values, a variant classified as benign is not then subjected to further curation. The score for this variant resulted in a classification of benign for this disease.

Illumina Laboratory Services, Illumina
Classification: Benign for Susceptibility to mononeuropathy of the median nerve, mild. Last evaluated: 2018-01-13. Review status: criteria provided, single submitter. Criteria: ICSL Variant Classification Criteria 13 December 2019. Collection method: clinical testing. Allele origin: germline.
Comment: the same text as in the submission from Illumina Laboratory Services, Illumina above.

NM_024577.4(SH3TC2):c.*6692A>G

Gene: SH3TC2 (SH3 domain and tetratricopeptide repeats 2; minus strand). Cytogenetic location: 5q32.
Variant type: single nucleotide variant.
Coding change: c.*6692A>G on transcript NM_024577.4 (MANE Select); 6692 bases downstream of the stop codon, A replaced by G.
Molecular consequence: 3 prime UTR variant.
Genome position (GRCh38, 1-based): chr5:148,998,019, T>C on the plus strand (A>G on the coding strand, the complement: SH3TC2 is on the minus strand). VCF-style: chr5-148998019-T-C. GRCh37 (hg19) VCF-style: chr5-148377582-T-C.
Identifiers: ClinVar variation 351782 (VCV000351782.7), dbSNP rs11168078, ClinGen allele CA10620677.